The following is an entry in ClinVar:

ClinVar aggregate classification (germline): Uncertain significance (1 of 4 stars; one submission).

Submission:

Women's Health and Genetics/Laboratory Corporation of America, LabCorp
Classification: Uncertain significance. Last evaluated: 2025-12-19. Review status: criteria provided, single submitter. Criteria: LabCorp Variant Classification Summary - May 2015. Collection method: clinical testing. Allele origin: germline.
Comment: Variant summary: NFIA c.113G>T (p.Arg38Leu) results in a non-conservative amino acid change in the encoded protein sequence. Algorithms developed to predict the effect of missense changes on protein structure and function all suggest that this variant is likely to be disruptive. The variant was absent in 251362 control chromosomes (gnomAD). c.113G>T has been observed de novo in at least 1 individual affected with clinical features of Brain Malformations With Or Without Urinary Tract Defects (internal data). To our knowledge, no experimental evidence demonstrating an impact on protein function has been reported. The following publication has been ascertained in the context of this evaluation (PMID: 37915986). No submitters have cited clinical-significance assessments for this variant to ClinVar. Based on the evidence outlined above, the variant was classified as uncertain significance.

Literature cited by the submitters: PubMed 37915986.

NM_001134673.4(NFIA):c.113G>T (p.Arg38Leu)

Gene: NFIA (nuclear factor I A; plus strand). Cytogenetic location: 1p31.3.
Variant type: single nucleotide variant.
Coding change: c.113G>T on transcript NM_001134673.4 (MANE Select); coding-DNA position 113, G replaced by T.
Protein change: p.Arg38Leu; replaces arginine 38 with leucine.
Molecular consequence: missense variant.
Genome position (GRCh38, 1-based): chr1:61,088,234, G>T. VCF-style: chr1-61088234-G-T. GRCh37 (hg19) VCF-style: chr1-61553906-G-T.
Other names: c.89G>T, p.Arg30Leu (NM_001145511.2); c.248G>T, p.Arg83Leu (NM_001145512.2); c.113G>T, p.Arg38Leu (NM_005595.5); short protein forms R30L, R38L, R83L.
Identifiers: ClinVar variation 4688197 (VCV004688197.1).
Genomic context (GRCh38, chr1:61,088,234, plus strand): 5'-CACTTCTGCCCCACGTCCGAGCCTTTGCCTACACATGGTTCAACCTGCAGGCCCGAAAAC[G>T]AAAATACTTCAAAAAACATGAAAAGCGTATGTCAAAAGAAGAAGAGAGAGCCGTGAAGGA-3'
Protein context (NP_001128145.1, residues 28-48): YTWFNLQARK[Arg38Leu]KYFKKHEKRM